The following is an entry in ClinVar:

NM_006648.4(WNK2):c.2129T>C (p.Leu710Pro)

Gene: WNK2 (WNK lysine deficient protein kinase 2; plus strand). Cytogenetic location: 9q22.31.
Variant type: single nucleotide variant.
Coding change: c.2129T>C on transcript NM_006648.4 (MANE Select); coding-DNA position 2129, T replaced by C.
Protein change: p.Leu710Pro; replaces leucine 710 with proline.
Molecular consequence: missense variant.
Genome position (GRCh38, 1-based): chr9:93,256,393, T>C. VCF-style: chr9-93256393-T-C. GRCh37 (hg19) VCF-style: chr9-96018675-T-C.
Other names: c.2129T>C, p.Leu710Pro (NM_001282394.3); short protein forms L710P.
Identifiers: ClinVar variation 4844862 (VCV004844862.1).

ClinVar aggregate classification (germline): Uncertain significance (1 of 4 stars; one submission).

gnomAD v4.1: 8 of 1,554,668 alleles (0.00051%); highest among the groups gnomAD compares: Middle Eastern, 0.018%; no homozygotes.

Submission:

Ambry Genetics
Classification: Uncertain significance. Last evaluated: 2026-01-19. Review status: criteria provided, single submitter. Criteria: Ambry Variant Classification Scheme 2023. Collection method: clinical testing. Allele origin: germline.
Comment: The p.L710P variant (also known as c.2129T>C), located in coding exon 9 of the WNK2 gene, results from a T to C substitution at nucleotide position 2129. The leucine at codon 710 is replaced by proline, an amino acid with similar properties. This amino acid position is conserved. In addition, this alteration is predicted to be tolerated by in silico analysis. Based on the available evidence, the clinical significance of this variant remains unclear.